The following is an entry in ClinVar:

ClinVar aggregate classification (germline): Conflicting classifications of pathogenicity. Review status: criteria provided, conflicting classifications (1 of 4 stars). 4 submissions from 4 submitters: Uncertain significance (2); Uncertain risk allele (1); Likely benign (1). Last evaluated 2023-12-05.

Conditions:
Diabetic retinopathy. Identifiers: MedGen C0011884, MONDO:0005266.
Familial thoracic aortic aneurysm and aortic dissection (TAAD). Also called: Thoracic aortic aneurysms and dissections. Identifiers: Orphanet 91387, MedGen C4707243, MONDO:0019625.

Allele frequency attached by ClinVar (database versions not stated): gnomAD exomes below 0.00001; gnomAD 0.00001; TOPMed 0.00003.
gnomAD v4.1: 4 of 1,614,052 alleles (0.00025%); highest among the groups gnomAD compares: East Asian, 0.0067%; no homozygotes.

Submissions (4):

Color Diagnostics, LLC DBA Color Health
Classification: Uncertain significance for Familial thoracic aortic aneurysm and aortic dissection. Last evaluated: 2023-12-05. Review status: criteria provided, single submitter. Criteria: ACMG Guidelines, 2015. Collection method: clinical testing. Allele origin: germline.
Comment: Variant of Uncertain Significance due to insufficient evidence: This missense variant is located in the extracellular domain of the TGFBR2 protein. Computational prediction tools and conservation analyses are inconclusive regarding the impact of this variant on the protein function. Computational splicing tools suggest that this variant may not impact RNA splicing. To our knowledge, functional assays have not been performed for this variant nor has this variant been reported in individuals affected with cardiovascular disorders in the literature. This variant has been identified in 2/276802 chromosomes in the general population by the Genome Aggregation Database (gnomAD). Available evidence is insufficient to determine the pathogenicity of this variant conclusively.

Blueprint Genetics
Classification: Likely benign. Last evaluated: 2022-11-28. Review status: criteria provided, single submitter. Criteria: ACMG Guidelines, 2015. Collection method: clinical testing. Allele origin: germline.

Ambry Genetics
Classification: Uncertain significance for Familial thoracic aortic aneurysm and aortic dissection. Last evaluated: 2016-01-25. Review status: criteria provided, single submitter. Criteria: Ambry Variant Classification Scheme 2023. Collection method: clinical testing. Allele origin: germline.
Comment: The p.N63S variant (also known as c.188A>G), located in coding exon 2 of the TGFBR2 gene, results from an A to G substitution at nucleotide position 188. The asparagine at codon 63 is replaced by serine, an amino acid with highly similar properties. This variant was not reported in population based cohorts in the following databases: Database of Single Nucleotide Polymorphisms (dbSNP), NHLBI Exome Sequencing Project (ESP), and 1000 Genomes Project. In the ESP, this variant was not observed in 6503 samples (13006 alleles) with coverage at this position. This amino acid position is well conserved in available vertebrate species; however, serine is the reference amino acid in other vertebrate species. In addition, this alteration is predicted to be tolerated by in silico analysis. Since supporting evidence is limited at this time, the clinical significance of this alteration remains unclear.

Clinical Genomics, Uppaluri K&H Personalized Medicine Clinic
Classification: Uncertain risk allele for Diabetic retinopathy. Review status: criteria provided, single submitter. Criteria: K And H Uppaluri Personalized Medicine Clinic Variant Classification And Assertion Criteria Updated V 2. Collection method: research. Allele origin: unknown.
Comment: Potent mutations in TGFBR2 gene encodes the transforming growth factor that have been associated with angiogenesis and diabetic retinopathy. More clinical studies are needed for stronger association. However, more evidence is required to confer the association of this particular variant rs1432089303 with diabetic retinopathy.

Literature cited by the submitters: PubMed 30222965 (cited by Clinical Genomics, Uppaluri K&H Personalized Medicine Clinic); PubMed 28162229 (cited by Clinical Genomics, Uppaluri K&H Personalized Medicine Clinic); PubMed 34572573 (cited by Clinical Genomics, Uppaluri K&H Personalized Medicine Clinic).

NM_003242.6(TGFBR2):c.188A>G (p.Asn63Ser)

Gene: TGFBR2 (transforming growth factor beta receptor 2; plus strand). Cytogenetic location: 3p24.1.
Variant type: single nucleotide variant.
Coding change: c.188A>G on transcript NM_003242.6 (MANE Select); coding-DNA position 188, A replaced by G.
Protein change: p.Asn63Ser; replaces asparagine 63 with serine.
Molecular consequence: missense variant.
Genome position (GRCh38, 1-based): chr3:30,644,840, A>G. VCF-style: chr3-30644840-A-G. GRCh37 (hg19) VCF-style: chr3-30686332-A-G.
Other names: c.263A>G, p.Asn88Ser (NM_001024847.3, NM_001407126.1, NM_001407139.1); c.188A>G, p.Asn63Ser (NM_001407127.1, NM_001407130.1); c.215A>G, p.Asn72Ser (NM_001407128.1); c.83A>G, p.Asn28Ser (NM_001407129.1, NM_001407132.1, NM_001407133.1 and 3 more transcripts); short protein forms N63S, N88S, N28S, N72S.
Identifiers: ClinVar variation 922450 (VCV000922450.9), dbSNP rs1432089303, ClinGen allele CA351806500.